The following is an entry in ClinVar:

NM_000082.4(ERCC8):c.1123-5T>G

Gene: ERCC8 (ERCC excision repair 8, CSA ubiquitin ligase complex subunit; minus strand). Cytogenetic location: 5q12.1.
Variant type: single nucleotide variant.
Coding change: c.1123-5T>G on transcript NM_000082.4 (MANE Select); 5 bases into the intron before coding-DNA position 1123, T replaced by G.
Molecular consequence: intron variant.
Genome position (GRCh38, 1-based): chr5:60,874,688, A>C on the plus strand (T>G on the coding strand, the complement: ERCC8 is on the minus strand). VCF-style: chr5-60874688-A-C. GRCh37 (hg19) VCF-style: chr5-60170515-A-C.
Other names: p.?; c.664-5T>G (NM_001290285.2); c.949-5T>G (NM_001007233.3).
Identifiers: ClinVar variation 4684839 (VCV004684839.1).

ClinVar aggregate classification (germline): Likely benign (1 of 4 stars; one submission).

gnomAD v4.1: 4 of 1,588,388 alleles (0.00025%); highest among the groups gnomAD compares: Non-Finnish European, 0.00034%; no homozygotes.

Submission:

Mayo Clinic Laboratories, Mayo Clinic
Classification: Likely benign. Last evaluated: 2025-11-05. Review status: criteria provided, single submitter. Criteria: ACMG Guidelines, 2015. Collection method: clinical testing. Allele origin: germline. Observed: 1 variant allele.
Comment: BP4, BP7